The following is an entry in ClinVar:

ClinVar aggregate classification (germline): Uncertain significance. Review status: criteria provided, multiple submitters, no conflicts (2 of 4 stars). 3 submissions from 3 submitters: Uncertain significance (3). Last evaluated 2026-09-23.

Allele frequency attached by ClinVar (database versions not stated): ExAC 0.00006; 1000 Genomes Project 30x 0.00016; 1000 Genomes Project 0.00020.
gnomAD v4.1: 88 of 1,548,286 alleles (0.0057%); highest among the groups gnomAD compares: African/African-American, 0.026%; no homozygotes.

Submissions (3):

GeneDx
Classification: Uncertain significance. Last evaluated: 2026-09-23. Review status: criteria provided, single submitter. Criteria: GeneDx Variant Classification Process June 2021. Collection method: clinical testing. Allele origin: germline.
Comment: In silico analysis suggests that this missense variant does not alter protein structure/function; Has not been previously published as pathogenic or benign to our knowledge

Women's Health and Genetics/Laboratory Corporation of America, LabCorp
Classification: Uncertain significance. Last evaluated: 2025-07-23. Review status: criteria provided, single submitter. Criteria: LabCorp Variant Classification Summary - May 2015. Collection method: clinical testing. Allele origin: germline.
Comment: Variant summary: ZNF469 c.10808G>A (p.Arg3603Gln) results in a conservative amino acid change in the encoded protein sequence. Algorithms developed to predict the effect of missense changes on protein structure and function all suggest that this variant is likely to be tolerated. The variant allele was found at a frequency of 0.00011 in 150932 control chromosomes. This frequency is not significantly higher than estimated for a pathogenic variant in ZNF469 causing Brittle cornea syndrome 1, allowing no conclusion about variant significance. To our knowledge, no occurrence of c.10808G>A in individuals affected with Brittle cornea syndrome 1 and no experimental evidence demonstrating its impact on protein function have been reported. ClinVar contains an entry for this variant (Variation ID: 1219733). Based on the evidence outlined above, the variant was classified as uncertain significance.

Labcorp Genetics (formerly Invitae), Labcorp
Classification: Uncertain significance. Last evaluated: 2025-05-12. Review status: criteria provided, single submitter. Criteria: Invitae Variant Classification Sherloc (09022015). Collection method: clinical testing. Allele origin: germline.
Comment: This sequence change replaces arginine, which is basic and polar, with glutamine, which is neutral and polar, at codon 3575 of the ZNF469 protein (p.Arg3575Gln). This variant is present in population databases (rs537930010, gnomAD 0.08%). This variant has not been reported in the literature in individuals affected with ZNF469-related conditions. ClinVar contains an entry for this variant (Variation ID: 1219733). An algorithm developed to predict the effect of missense changes on protein structure and function outputs the following: PolyPhen-2: "Benign". The glutamine amino acid residue is found in multiple mammalian species, which suggests that this missense change does not adversely affect protein function. In summary, the available evidence is currently insufficient to determine the role of this variant in disease. Therefore, it has been classified as a Variant of Uncertain Significance.

NM_001367624.2(ZNF469):c.10808G>A (p.Arg3603Gln)

Gene: ZNF469 (zinc finger protein 469; plus strand). Cytogenetic location: 16q24.2.
Variant type: single nucleotide variant.
Coding change: c.10808G>A on transcript NM_001367624.2 (MANE Select); coding-DNA position 10808, G replaced by A.
Protein change: p.Arg3603Gln; replaces arginine 3603 with glutamine.
Molecular consequence: missense variant.
Genome position (GRCh38, 1-based): chr16:88,438,278, G>A. VCF-style: chr16-88438278-G-A. GRCh37 (hg19) VCF-style: chr16-88504686-G-A.
Other names: NM_001127464.1:c.10724G>A; short protein forms R3603Q.
Identifiers: ClinVar variation 1219733 (VCV001219733.9), dbSNP rs537930010, ClinGen allele CA8225553.